The following is an entry in ClinVar:

ClinVar aggregate classification (germline): Pathogenic/Likely pathogenic. Review status: criteria provided, multiple submitters, no conflicts (2 of 4 stars). 3 submissions from 3 submitters: Pathogenic (1); Likely pathogenic (1). 1 of the submissions does not count toward it. Last evaluated 2023-08-10.

Conditions:
3-hydroxy-3-methylglutaryl-CoA synthase deficiency (HMGCS2D). Also called: HMGCS2 DEFICIENCY; HMG-CoA synthase-2 deficiency; MITOCHONDRIAL HMG-CoA SYNTHASE DEFICIENCY. Identifiers: Orphanet 35701, MedGen C2751532, MONDO:0011614, OMIM 605911.

Allele frequency attached by ClinVar (database versions not stated): TOPMed 0.00006; gnomAD exomes 0.00010 and 0.00002; gnomAD 0.00004 and 0.00003; ExAC 0.00012.
gnomAD v4.1: 14 of 1,613,688 alleles (0.00087%); highest among the groups gnomAD compares: East Asian, 0.031%; no homozygotes.

Submissions (3):

Labcorp Genetics (formerly Invitae), Labcorp
Classification: Pathogenic for 3-hydroxy-3-methylglutaryl-CoA synthase deficiency. Last evaluated: 2023-08-10. Review status: criteria provided, single submitter. Criteria: Invitae Variant Classification Sherloc (09022015). Collection method: clinical testing. Allele origin: germline.
Comment: For these reasons, this variant has been classified as Pathogenic. Experimental studies have shown that this missense change affects HMGCS2 function (PMID: 11228257, 23751782). This missense change has been observed in individual(s) with HMG-CoA synthase-2 deficiency (PMID: 11228257, 23751782, 25511235, 33045405). In at least one individual the data is consistent with being in trans (on the opposite chromosome) from a pathogenic variant. ClinVar contains an entry for this variant (Variation ID: 9257). Advanced modeling of protein sequence and biophysical properties (such as structural, functional, and spatial information, amino acid conservation, physicochemical variation, residue mobility, and thermodynamic stability) performed at Invitae indicates that this missense variant is not expected to disrupt HMGCS2 protein function. This sequence change replaces phenylalanine, which is neutral and non-polar, with leucine, which is neutral and non-polar, at codon 174 of the HMGCS2 protein (p.Phe174Leu). This variant is present in population databases (rs137852636, gnomAD 0.1%).

Juno Genomics, Hangzhou Juno Genomics, Inc
Classification: Likely pathogenic for 3-hydroxy-3-methylglutaryl-CoA synthase deficiency. Review status: criteria provided, single submitter. Criteria: ACMG Guidelines, 2015. Collection method: clinical testing. Allele origin: germline. Affected: yes.
Comment: Absent from controls (or at extremely low frequency if recessive) in Genome Aggregation Database, Exome Sequencing Project, 1000 Genomes Project, or Exome Aggregation Consortium.;Well-established in vitro or in vivo functional studies supportive of a damaging effect on the gene or gene product.;For recessive disorders, detected in trans with a pathogenic variant.;Patient's phenotype or family history is highly specific for a disease with a single genetic etiology.

OMIM
Classification: Pathogenic for MITOCHONDRIAL HMG-CoA SYNTHASE DEFICIENCY. Last evaluated: 2001-03-01. Review status: no assertion criteria provided. Collection method: literature only. Allele origin: germline. Not counted in ClinVar's aggregate classification.

Literature cited by the submitters: PubMed 11228257 (cited by Labcorp Genetics (formerly Invitae), Labcorp and OMIM); PubMed 23751782 (cited by Labcorp Genetics (formerly Invitae), Labcorp); PubMed 25511235 (cited by Labcorp Genetics (formerly Invitae), Labcorp); PubMed 33045405 (cited by Labcorp Genetics (formerly Invitae), Labcorp and OMIM); PubMed 9337379 (cited by OMIM).

NM_005518.4(HMGCS2):c.520T>C (p.Phe174Leu)

Gene: HMGCS2 (3-hydroxy-3-methylglutaryl-CoA synthase 2; minus strand). Cytogenetic location: 1p12.
Variant type: single nucleotide variant.
Coding change: c.520T>C on transcript NM_005518.4 (MANE Select); coding-DNA position 520, T replaced by C.
Protein change: p.Phe174Leu; replaces phenylalanine 174 with leucine.
Molecular consequence: missense variant.
Genome position (GRCh38, 1-based): chr1:119,764,211, A>G on the plus strand (T>C on the coding strand, the complement: HMGCS2 is on the minus strand). VCF-style: chr1-119764211-A-G. GRCh37 (hg19) VCF-style: chr1-120306834-A-G.
Other names: c.520T>C, p.Phe174Leu (NM_001166107.1); short protein forms F174L.
Identifiers: ClinVar variation 9257 (VCV000009257.14), dbSNP rs137852636, ClinGen allele CA120247.